The following is an entry in ClinVar:

NM_015488.5(PNKD):c.25G>T (p.Ala9Ser)

Genes: PNKD (PNKD metallo-beta-lactamase domain containing; plus strand), LOC129935594 (ATAC-STARR-seq lymphoblastoid active region 17117; plus strand). Cytogenetic location: 2q35.
Variant type: single nucleotide variant.
Coding change: c.25G>T on transcript NM_015488.5 (MANE Select); coding-DNA position 25, G replaced by T.
Protein change: p.Ala9Ser; replaces alanine 9 with serine.
Molecular consequence: missense variant.
Genome position (GRCh38, 1-based): chr2:218,270,560, G>T. VCF-style: chr2-218270560-G-T. GRCh37 (hg19) VCF-style: chr2-219135283-G-T.
Other names: c.25G>T, p.Ala9Ser (NM_001077399.3); short protein forms A9S.
Identifiers: ClinVar variation 4710157 (VCV004710157.1).
Genomic context (GRCh38, chr2:218,270,560, plus strand): 5'-GCGGGGAGCGCGGTGAAGCGGGGGTGGGATCTGAACATGGCGGCGGTGGTAGCTGCTACG[G>T]CGCTGAAGGGCCGGGGGGCGAGAAATGCCCGCGTCCTCCGGGGTAAGGAGAGGGACCCCG-3'
Protein context (NP_056303.3, residues 1-19): MAAVVAAT[Ala9Ser]LKGRGARNAR

ClinVar aggregate classification (germline): Uncertain significance (1 of 4 stars; one submission).

Conditions:
Paroxysmal nonkinesigenic dyskinesia. Also called: Paroxysmal non-kinesigenic dyskinesia. Identifiers: Orphanet 98810, MedGen C1869117, MONDO:0700088.

gnomAD v4.1: 10 of 1,225,546 alleles (0.00082%); highest among the groups gnomAD compares: South Asian, 0.024%; no homozygotes.

Submission:

Labcorp Genetics (formerly Invitae), Labcorp
Classification: Uncertain significance for Paroxysmal nonkinesigenic dyskinesia. Last evaluated: 2025-07-09. Review status: criteria provided, single submitter. Criteria: Invitae Variant Classification Sherloc (09022015). Collection method: clinical testing. Allele origin: germline.
Comment: This sequence change replaces alanine, which is neutral and non-polar, with serine, which is neutral and polar, at codon 9 of the PNKD protein (p.Ala9Ser). This variant is not present in population databases (gnomAD no frequency). This missense change has been observed in individual(s) with clinical features of paroxysmal nonkinesigenic dyskinesia and/or seizures (PMID: 37541188; internal data). An algorithm developed to predict the effect of missense changes on protein structure and function (PolyPhen-2) suggests that this variant is likely to be tolerated. This variant disrupts the p.Ala9 amino acid residue in PNKD. Other variant(s) that disrupt this residue have been determined to be pathogenic (PMID: 15496428). This suggests that this residue is clinically significant, and that variants that disrupt this residue are likely to be disease-causing. In summary, the available evidence is currently insufficient to determine the role of this variant in disease. Therefore, it has been classified as a Variant of Uncertain Significance.

Literature cited by the submitters: PubMed 37541188; PubMed 15496428.